The following is an entry in ClinVar:

NM_001365951.3(KIF1B):c.4544G>T (p.Arg1515Leu)

Gene: KIF1B (kinesin family member 1B; plus strand). Cytogenetic location: 1p36.22.
Variant type: single nucleotide variant.
Coding change: c.4544G>T on transcript NM_001365951.3 (MANE Select); coding-DNA position 4544, G replaced by T.
Protein change: p.Arg1515Leu; replaces arginine 1515 with leucine.
Molecular consequence: missense variant.
Genome position (GRCh38, 1-based): chr1:10,365,440, G>T. VCF-style: chr1-10365440-G-T. GRCh37 (hg19) VCF-style: chr1-10425498-G-T.
Other names: c.4544G>T, p.Arg1515Leu (NM_001365952.1); c.4406G>T, p.Arg1469Leu (NM_015074.3); short protein forms R1469L, R1515L.
Identifiers: ClinVar variation 1740360 (VCV001740360.3), dbSNP rs375130478, ClinGen allele CA338321707.
Genomic context (GRCh38, chr1:10,365,440, plus strand): 5'-TGCTATAGCAGTAGTATTGATCTTCTCAGGTGGAAAAAACCCGCCACTTTTTGCTGCTGC[G>T]TGAGAGACTTGGTGACAGCATCCCCAAATCCCTGAGCGACTCGTTATCCCCCAGCCTCAG-3'
Protein context (NP_001352880.1, residues 1505-1525): VEKTRHFLLL[Arg1515Leu]ERLGDSIPKS

ClinVar aggregate classification (germline): Uncertain significance (1 of 4 stars; one submission).

gnomAD v4.1: 8 of 1,614,026 alleles (0.0005%); highest among the groups gnomAD compares: African/African-American, 0.008%; no homozygotes.

Submission:

Ambry Genetics
Classification: Uncertain significance. Last evaluated: 2024-07-08. Review status: criteria provided, single submitter. Criteria: Ambry Variant Classification Scheme 2023. Collection method: clinical testing. Allele origin: germline.
Comment: The p.R1469L variant (also known as c.4406G>T), located in coding exon 40 of the KIF1B gene, results from a G to T substitution at nucleotide position 4406. The arginine at codon 1469 is replaced by leucine, an amino acid with dissimilar properties. This amino acid position is conserved. In addition, the in silico prediction for this alteration is inconclusive. Since supporting evidence is limited at this time, the clinical significance of this alteration remains unclear.